The following is an entry in ClinVar:

NM_198253.3(TERT):c.1954G>A (p.Glu652Lys)

Gene: TERT (telomerase reverse transcriptase; minus strand). Cytogenetic location: 5p15.33.
Variant type: single nucleotide variant.
Coding change: c.1954G>A on transcript NM_198253.3 (MANE Select); coding-DNA position 1954, G replaced by A.
Protein change: p.Glu652Lys; replaces glutamic acid 652 with lysine.
Molecular consequence: missense variant. On other transcripts: non-coding transcript variant (2).
Genome position (GRCh38, 1-based): chr5:1,279,467, C>T on the plus strand (G>A on the coding strand, the complement: TERT is on the minus strand). VCF-style: chr5-1279467-C-T. GRCh37 (hg19) VCF-style: chr5-1279582-C-T.
Other names: c.1954G>A, p.Glu652Lys (NM_001193376.3); short protein forms E652K.
Identifiers: ClinVar variation 539205 (VCV000539205.19), dbSNP rs1228165704, ClinGen allele CA359080888.

ClinVar aggregate classification (germline): Conflicting classifications of pathogenicity. Review status: criteria provided, conflicting classifications (1 of 4 stars). 5 submissions from 5 submitters: Uncertain significance (4); Likely benign (1). Last evaluated 2025-01-07.

Conditions:
Acute myeloid leukemia (AML). Also called: Leukemia, acute myeloid, somatic; Leukemia, acute myelogenous, somatic; Acute myeloid leukemia, adult; AML adult; Acute non-lymphocytic leukemia; Acute granulocytic leukemia. Identifiers: Orphanet 519, MedGen C0023467, MeSH D015470, MONDO:0018874, OMIM 601626, HP:0004808. Disease mechanism: Constitutively activated FLT3.
Dyskeratosis congenita, autosomal dominant 2. Identifiers: MedGen C3151443, MONDO:0013521, OMIM 613989.
Aplastic anemia. Identifiers: Orphanet 182040, Orphanet 88, MedGen C0002874, MONDO:0015909, OMIM 609135, HP:0001915.
Pulmonary fibrosis and/or bone marrow failure, Telomere-related, 1. Also called: PULMONARY FIBROSIS AND/OR BONE MARROW FAILURE SYNDROME, TELOMERE-RELATED, 1. Identifiers: Orphanet 88, MedGen C3553617, MONDO:0013878, OMIM 614742.
Melanoma, cutaneous malignant, susceptibility to, 9. Also called: Cutaneous malignant melanoma 9. Identifiers: Orphanet 618, MedGen C3554574, MONDO:0014056, OMIM 615134.
Dyskeratosis congenita, autosomal dominant 1 (DKCA1). Also called: Dyskeratosis congenita Scoggins type. Identifiers: Orphanet 1775, MedGen C4551974, MONDO:0007485, OMIM 127550. Inheritance: Variable.
Interstitial lung disease 2 (ILD2). Also called: FIBROCYSTIC PULMONARY DYSPLASIA; FIBROSING ALVEOLITIS, CRYPTOGENIC; Familial idiopathic pulmonary fibrosis. Identifiers: Orphanet 2032, Orphanet 79126, MedGen C5561926, MONDO:0800497, OMIM 178500, MONDO:0800029.
Dyskeratosis congenita. Identifiers: Orphanet 1775, MedGen C0265965, MONDO:0015780.
Idiopathic Pulmonary Fibrosis. Also called: Idiopathic fibrosing alveolitis, chronic form; idiopathic fibrosing alveolitis. Identifiers: Orphanet 2032, MedGen C1800706, MeSH D054990, MONDO:0800504.

Allele frequency attached by ClinVar (database versions not stated): gnomAD 0.00001; gnomAD exomes 0.00002; TOPMed 0.00002.
gnomAD v4.1: 11 of 1,548,936 alleles (0.00071%); highest among the groups gnomAD compares: African/African-American, 0.0027%; no homozygotes.

Submissions (5):

Ambry Genetics
Classification: Uncertain significance for Dyskeratosis congenita. Last evaluated: 2025-01-07. Review status: criteria provided, single submitter. Criteria: Ambry Variant Classification Scheme 2023. Collection method: clinical testing. Allele origin: germline.
Comment: The p.E652K variant (also known as c.1954G>A), located in coding exon 5 of the TERT gene, results from a G to A substitution at nucleotide position 1954. The glutamic acid at codon 652 is replaced by lysine, an amino acid with similar properties. This amino acid position is poorly conserved in available vertebrate species. In addition, this alteration is predicted to be tolerated by in silico analysis. Based on the available evidence, the clinical significance of this variant remains unclear.

Labcorp Genetics (formerly Invitae), Labcorp
Classification: Likely benign for Dyskeratosis congenita, autosomal dominant 2; Idiopathic Pulmonary Fibrosis. Last evaluated: 2024-12-19. Review status: criteria provided, single submitter. Criteria: Invitae Variant Classification Sherloc (09022015). Collection method: clinical testing. Allele origin: germline.

GeneDx
Classification: Uncertain significance. Last evaluated: 2024-06-07. Review status: criteria provided, single submitter. Criteria: GeneDx Variant Classification Process June 2021. Collection method: clinical testing. Allele origin: germline.
Comment: In silico analysis indicates that this missense variant does not alter protein structure/function; Has not been previously published as pathogenic or benign to our knowledge

Baylor Genetics
Classification: Uncertain significance for Dyskeratosis congenita, autosomal dominant 2. Last evaluated: 2023-07-10. Review status: criteria provided, single submitter. Criteria: ACMG Guidelines, 2015. Collection method: clinical testing. Allele origin: unknown.

Fulgent Genetics
Classification: Uncertain significance for Dyskeratosis congenita, autosomal dominant 1; Interstitial lung disease 2; Acute myeloid leukemia; Aplastic anemia; Dyskeratosis congenita, autosomal dominant 2; Pulmonary fibrosis and/or bone marrow failure, Telomere-related, 1; Melanoma, cutaneous malignant, susceptibility to, 9. Last evaluated: 2022-01-20. Review status: criteria provided, single submitter. Criteria: ACMG Guidelines, 2015. Collection method: clinical testing. Allele origin: unknown.